The following is an entry in ClinVar:

NM_000051.4(ATM):c.9106A>G (p.Ile3036Val)

Genes: C11orf65 (chromosome 11 open reading frame 65; minus strand), ATM (ATM serine/threonine kinase; plus strand). Cytogenetic location: 11q22.3.
Variant type: single nucleotide variant.
Coding change: c.9106A>G on transcript NM_000051.4 (MANE Select); coding-DNA position 9106, A replaced by G.
Protein change: p.Ile3036Val; replaces isoleucine 3036 with valine.
Molecular consequence: missense variant. On other transcripts: intron variant (2).
Genome position (GRCh38, 1-based): chr11:108,365,443, A>G. VCF-style: chr11-108365443-A-G. GRCh37 (hg19) VCF-style: chr11-108236170-A-G.
Other names: c.9106A>G, p.Ile3036Val (NM_001351834.2); c.640+20477T>C (NM_001330368.2); c.694+20477T>C (NM_001351110.2); short protein forms I3036V.
Identifiers: ClinVar variation 629133 (VCV000629133.28), dbSNP rs1565609567, ClinGen allele CA382531961.

ClinVar aggregate classification (germline): Uncertain significance. Review status: criteria provided, multiple submitters, no conflicts (2 of 4 stars). 6 submissions from 6 submitters: Uncertain significance (5). 1 of the submissions does not count toward it. Last evaluated 2025-07-22.

Conditions:
Breast and/or ovarian cancer. Identifiers: MedGen CN221562.
Ataxia-telangiectasia syndrome (AT). Also called: Ataxia-telangiectasia, complementation group D; AT, COMPLEMENTATION GROUP C; ATAXIA-TELANGIECTASIA, COMPLEMENTATION GROUP A; ATAXIA-TELANGIECTASIA, FRESNO VARIANT; Ataxia-telangiectasia; LOUIS-BAR SYNDROME. Identifiers: Orphanet 100, MedGen C0004135, MONDO:0008840, OMIM 208900.
Hereditary cancer-predisposing syndrome. Also called: Tumor predisposition; Hereditary neoplastic syndrome; Neoplastic Syndromes, Hereditary; Hereditary Cancer Syndrome. Identifiers: Orphanet 140162, MedGen C0027672, MeSH D009386, MONDO:0015356.

Allele frequency attached by ClinVar (database versions not stated): gnomAD exomes below 0.00001.
gnomAD v4.1: 3 of 1,614,212 alleles (0.00019%); highest among the groups gnomAD compares: Non-Finnish European, 0.00025%; no homozygotes.

Submissions (6):

Ambry Genetics
Classification: Uncertain significance for Hereditary cancer-predisposing syndrome. Last evaluated: 2025-07-22. Review status: criteria provided, single submitter. Criteria: Ambry Variant Classification Scheme 2023. Collection method: clinical testing. Allele origin: germline.
Comment: The p.I3036V variant (also known as c.9106A>G), located in coding exon 62 of the ATM gene, results from an A to G substitution at nucleotide position 9106. The isoleucine at codon 3036 is replaced by valine, an amino acid with highly similar properties. This amino acid position is highly conserved in available vertebrate species. In addition, this alteration is predicted to be deleterious by in silico analysis. Based on the available evidence, the clinical significance of this variant remains unclear.

Labcorp Genetics (formerly Invitae), Labcorp
Classification: Uncertain significance for Ataxia-telangiectasia syndrome. Last evaluated: 2024-11-10. Review status: criteria provided, single submitter. Criteria: Invitae Variant Classification Sherloc (09022015). Collection method: clinical testing. Allele origin: germline.
Comment: This sequence change replaces isoleucine, which is neutral and non-polar, with valine, which is neutral and non-polar, at codon 3036 of the ATM protein (p.Ile3036Val). This variant is not present in population databases (gnomAD no frequency). This variant has not been reported in the literature in individuals affected with ATM-related conditions. ClinVar contains an entry for this variant (Variation ID: 629133). Invitae Evidence Modeling of protein sequence and biophysical properties (such as structural, functional, and spatial information, amino acid conservation, physicochemical variation, residue mobility, and thermodynamic stability) has been performed for this missense variant. However, the output from this modeling did not meet the statistical confidence thresholds required to predict the impact of this variant on ATM protein function. In summary, the available evidence is currently insufficient to determine the role of this variant in disease. Therefore, it has been classified as a Variant of Uncertain Significance.

Color Diagnostics, LLC DBA Color Health
Classification: Uncertain significance for Hereditary cancer-predisposing syndrome. Last evaluated: 2023-12-06. Review status: criteria provided, single submitter. Criteria: ACMG Guidelines, 2015. Collection method: clinical testing. Allele origin: germline.
Comment: This missense variant replaces isoleucine with valine at codon 3036 of the ATM protein. Computational prediction suggests that this variant may have deleterious impact on protein structure and function (internally defined REVEL score threshold >= 0.7, PMID: 27666373). To our knowledge, functional studies have not been reported for this variant. This variant has not been reported in individuals affected with ATM-related disorders in the literature. This variant has not been identified in the general population by the Genome Aggregation Database (gnomAD). The available evidence is insufficient to determine the role of this variant in disease conclusively. Therefore, this variant is classified as a Variant of Uncertain Significance.

CHEO Genetics Diagnostic Laboratory, Children's Hospital of Eastern Ontario
Classification: Uncertain significance for Breast and/or ovarian cancer. Last evaluated: 2022-10-03. Review status: criteria provided, single submitter. Criteria: ACMG Guidelines, 2015. Collection method: clinical testing. Allele origin: germline.

GeneDx
Classification: Uncertain significance. Last evaluated: 2021-04-14. Review status: criteria provided, single submitter. Criteria: GeneDx Variant Classification Process June 2021. Collection method: clinical testing. Allele origin: germline. Affected: yes.
Comment: Not observed in large population cohorts (Lek 2016); In silico analysis supports that this missense variant does not alter protein structure/function; Has not been previously published as pathogenic or benign to our knowledge

Natera, Inc.
Classification: Uncertain significance for Ataxia-telangiectasia. Last evaluated: 2021-08-13. Review status: no assertion criteria provided. Collection method: clinical testing. Allele origin: germline. Not counted in ClinVar's aggregate classification.